The following is an entry in ClinVar:

ClinVar aggregate classification (germline): Uncertain significance. Review status: criteria provided, multiple submitters, no conflicts (2 of 4 stars). 2 submissions from 2 submitters: Uncertain significance (2). Last evaluated 2025-11-21.

Allele frequency attached by ClinVar (database versions not stated): ExAC 0.00023; gnomAD 0.00021; ESP Exome Variant Server 0.00023; TOPMed 0.00023.
gnomAD v4.1: 277 of 1,613,788 alleles (0.017%); highest among the groups gnomAD compares: Middle Eastern, 0.099%; no homozygotes.

Submissions (2):

Labcorp Genetics (formerly Invitae), Labcorp
Classification: Uncertain significance. Last evaluated: 2025-11-21. Review status: criteria provided, single submitter. Criteria: Invitae Variant Classification Sherloc (09022015). Collection method: clinical testing. Allele origin: germline.
Comment: This sequence change replaces valine, which is neutral and non-polar, with glutamic acid, which is acidic and polar, at codon 487 of the KRT71 protein (p.Val487Glu). This variant is present in population databases (rs137989633, gnomAD 0.06%), and has an allele count higher than expected for a pathogenic variant. This variant has not been reported in the literature in individuals affected with KRT71-related conditions. ClinVar contains an entry for this variant (Variation ID: 2305149). An algorithm developed to predict the effect of missense changes on protein structure and function (PolyPhen-2) suggests that this variant is likely to be tolerated. In summary, the available evidence is currently insufficient to determine the role of this variant in disease. Therefore, it has been classified as a Variant of Uncertain Significance.

Ambry Genetics
Classification: Uncertain significance. Last evaluated: 2021-06-11. Review status: criteria provided, single submitter. Criteria: Ambry Variant Classification Scheme 2023. Collection method: clinical testing. Allele origin: germline.

NM_033448.3(KRT71):c.1460T>A (p.Val487Glu)

Gene: KRT71 (keratin 71; minus strand). Cytogenetic location: 12q13.13.
Variant type: single nucleotide variant.
Coding change: c.1460T>A on transcript NM_033448.3 (MANE Select); coding-DNA position 1460, T replaced by A.
Protein change: p.Val487Glu; replaces valine 487 with glutamic acid.
Molecular consequence: missense variant.
Genome position (GRCh38, 1-based): chr12:52,544,644, A>T on the plus strand (T>A on the coding strand, the complement: KRT71 is on the minus strand). VCF-style: chr12-52544644-A-T. GRCh37 (hg19) VCF-style: chr12-52938428-A-T.
Other names: short protein forms V487E.
Identifiers: ClinVar variation 2305149 (VCV002305149.4), dbSNP rs137989633, ClinGen allele CA6583040.
Genomic context (GRCh38, chr12:52,544,644, plus strand): 5'-GTGTCTTTGTAATCGTTGGCACTGCCCCGGCTCCTGCCCTCCCCGCCTCTCACGCTGCAC[A>T]CTCCAGAGATGCAGTTGCTGCTGTTGGCCACATAGCCACCGCTGACCATGCTGGGCCGGA-3'
Protein context (NP_258259.1, residues 477-497): VANSSNCISG[Val487Glu]CSVRGGEGRS